The following is an entry in ClinVar:

NM_005097.4(LGI1):c.1541T>G (p.Phe514Cys)

Gene: LGI1 (leucine rich glioma inactivated 1; plus strand). Cytogenetic location: 10q23.33.
Variant type: single nucleotide variant.
Coding change: c.1541T>G on transcript NM_005097.4 (MANE Select); coding-DNA position 1541, T replaced by G.
Protein change: p.Phe514Cys; replaces phenylalanine 514 with cysteine.
Molecular consequence: missense variant. On other transcripts: non-coding transcript variant (1), intron variant (1).
Genome position (GRCh38, 1-based): chr10:93,797,670, T>G. VCF-style: chr10-93797670-T-G. GRCh37 (hg19) VCF-style: chr10-95557427-T-G.
Other names: c.1397T>G, p.Phe466Cys (NM_001308276.2); c.839-79T>G (NM_001308275.2); short protein forms F466C, F514C.
Identifiers: ClinVar variation 3366201 (VCV003366201.1).

ClinVar aggregate classification (germline): Uncertain significance (1 of 4 stars; one submission).

Submission:

GeneDx
Classification: Uncertain significance. Last evaluated: 2023-10-20. Review status: criteria provided, single submitter. Criteria: GeneDx Variant Classification Process June 2021. Collection method: clinical testing. Allele origin: germline. Affected: yes.
Comment: Not observed at significant frequency in large population cohorts (gnomAD); In silico analysis supports that this missense variant has a deleterious effect on protein structure/function; Has not been previously published as pathogenic or benign to our knowledge.